The following is an entry in ClinVar:

NM_198859.4(PRICKLE2):c.1132A>G (p.Met378Val)

Gene: PRICKLE2 (prickle planar cell polarity protein 2; minus strand). Cytogenetic location: 3p14.1.
Variant type: single nucleotide variant.
Coding change: c.1132A>G on transcript NM_198859.4 (MANE Select); coding-DNA position 1132, A replaced by G.
Protein change: p.Met378Val; replaces methionine 378 with valine.
Molecular consequence: missense variant.
Genome position (GRCh38, 1-based): chr3:64,147,358, T>C on the plus strand (A>G on the coding strand, the complement: PRICKLE2 is on the minus strand). VCF-style: chr3-64147358-T-C. GRCh37 (hg19) VCF-style: chr3-64133034-T-C.
Other names: c.1132A>G, p.Met378Val (NM_001370528.1); short protein forms M378V.
Identifiers: ClinVar variation 576573 (VCV000576573.6), dbSNP rs751445312, ClinGen allele CA2479684.

ClinVar aggregate classification (germline): Uncertain significance (1 of 4 stars; one submission).

Conditions:
Progressive myoclonic epilepsy type 5. Identifiers: Orphanet 402082, MedGen C5190799.

Allele frequency attached by ClinVar (database versions not stated): gnomAD 0.00001; gnomAD exomes 0.00001; ExAC 0.00002.
gnomAD v4.1: 6 of 1,614,106 alleles (0.00037%); highest among the groups gnomAD compares: East Asian, 0.011%; no homozygotes.

Submission:

Labcorp Genetics (formerly Invitae), Labcorp
Classification: Uncertain significance for Progressive myoclonic epilepsy type 5. Last evaluated: 2025-09-03. Review status: criteria provided, single submitter. Criteria: Invitae Variant Classification Sherloc (09022015). Collection method: clinical testing. Allele origin: germline.
Comment: This sequence change replaces methionine, which is neutral and non-polar, with valine, which is neutral and non-polar, at codon 378 of the PRICKLE2 protein (p.Met378Val). This variant is present in population databases (rs751445312, gnomAD 0.02%). This variant has not been reported in the literature in individuals affected with PRICKLE2-related conditions. ClinVar contains an entry for this variant (Variation ID: 576573). Invitae Evidence Modeling of protein sequence and biophysical properties (such as structural, functional, and spatial information, amino acid conservation, physicochemical variation, residue mobility, and thermodynamic stability) indicates that this missense variant is not expected to disrupt PRICKLE2 protein function with a negative predictive value of 80%. In summary, the available evidence is currently insufficient to determine the role of this variant in disease. Therefore, it has been classified as a Variant of Uncertain Significance.